The following is an entry in ClinVar:

NM_000238.4(KCNH2):c.860A>G (p.Asp287Gly)

Gene: KCNH2 (potassium voltage-gated channel subfamily H member 2; minus strand). Cytogenetic location: 7q36.1.
Variant type: single nucleotide variant.
Coding change: c.860A>G on transcript NM_000238.4 (MANE Select); coding-DNA position 860, A replaced by G.
Protein change: p.Asp287Gly; replaces aspartic acid 287 with glycine.
Molecular consequence: missense variant. On other transcripts: non-coding transcript variant (1).
Genome position (GRCh38, 1-based): chr7:150,958,115, T>C on the plus strand (A>G on the coding strand, the complement: KCNH2 is on the minus strand). VCF-style: chr7-150958115-T-C. GRCh37 (hg19) VCF-style: chr7-150655203-T-C.
Other names: c.860A>G, p.Asp287Gly (NM_172056.3); c.572A>G, p.Asp191Gly (NM_001406753.1, NM_001406756.1); c.683A>G, p.Asp228Gly (NM_001406755.1); c.560A>G, p.Asp187Gly (NM_001406757.1); short protein forms D191G, D187G, D287G, D228G.
Identifiers: ClinVar variation 3020602 (VCV003020602.3), dbSNP rs2486088681, ClinGen allele CA369862245.

ClinVar aggregate classification (germline): Uncertain significance (1 of 4 stars; one submission).

Conditions:
Long QT syndrome (LQTS). Identifiers: MedGen C0023976, MeSH D008133, MONDO:0002442. Disease mechanism: loss of function. Inheritance: Various modes of inheritance.

Submission:

Labcorp Genetics (formerly Invitae), Labcorp
Classification: Uncertain significance for Long QT syndrome. Last evaluated: 2022-12-04. Review status: criteria provided, single submitter. Criteria: Invitae Variant Classification Sherloc (09022015). Collection method: clinical testing. Allele origin: germline.
Comment: In summary, the available evidence is currently insufficient to determine the role of this variant in disease. Therefore, it has been classified as a Variant of Uncertain Significance. Algorithms developed to predict the effect of missense changes on protein structure and function are either unavailable or do not agree on the potential impact of this missense change (SIFT: "Deleterious"; PolyPhen-2: "Benign"; Align-GVGD: "Class C0"). This variant has not been reported in the literature in individuals affected with KCNH2-related conditions. This variant is not present in population databases (gnomAD no frequency). This sequence change replaces aspartic acid, which is acidic and polar, with glycine, which is neutral and non-polar, at codon 287 of the KCNH2 protein (p.Asp287Gly).